The following is an entry in ClinVar:

NM_001098511.3(KIF2A):c.464G>A (p.Arg155Lys)

Gene: KIF2A (kinesin family member 2A; plus strand). Cytogenetic location: 5q12.1.
Variant type: single nucleotide variant.
Coding change: c.464G>A on transcript NM_001098511.3 (MANE Select); coding-DNA position 464, G replaced by A.
Protein change: p.Arg155Lys; replaces arginine 155 with lysine.
Molecular consequence: missense variant.
Genome position (GRCh38, 1-based): chr5:62,353,281, G>A. VCF-style: chr5-62353281-G-A. GRCh37 (hg19) VCF-style: chr5-61649108-G-A.
Other names: c.383G>A, p.Arg128Lys (NM_001243952.2); c.407G>A, p.Arg136Lys (NM_001243953.2); c.464G>A, p.Arg155Lys (NM_004520.5); short protein forms R136K, R128K, R155K.
Identifiers: ClinVar variation 2880432 (VCV002880432.3), dbSNP rs1747946830, ClinGen allele CA359949083.

ClinVar aggregate classification (germline): Uncertain significance (1 of 4 stars; one submission).

Allele frequency attached by ClinVar (database versions not stated): TOPMed 0.00001.

Submission:

Labcorp Genetics (formerly Invitae), Labcorp
Classification: Uncertain significance. Last evaluated: 2023-05-27. Review status: criteria provided, single submitter. Criteria: Invitae Variant Classification Sherloc (09022015). Collection method: clinical testing. Allele origin: germline.
Comment: In summary, the available evidence is currently insufficient to determine the role of this variant in disease. Therefore, it has been classified as a Variant of Uncertain Significance. An algorithm developed to predict the effect of missense changes on protein structure and function (PolyPhen-2) suggests that this variant is likely to be tolerated. This variant has not been reported in the literature in individuals affected with KIF2A-related conditions. This variant is not present in population databases (gnomAD no frequency). This sequence change replaces arginine, which is basic and polar, with lysine, which is basic and polar, at codon 155 of the KIF2A protein (p.Arg155Lys).